The following is an entry in ClinVar:

ClinVar aggregate classification (germline): Uncertain significance. Review status: criteria provided, multiple submitters, no conflicts (2 of 4 stars). 3 submissions from 3 submitters: Uncertain significance (3). Last evaluated 2024-09-23.

Conditions:
Familial thoracic aortic aneurysm and aortic dissection (TAAD). Also called: Thoracic aortic aneurysms and dissections. Identifiers: Orphanet 91387, MedGen C4707243, MONDO:0019625.
Ehlers-Danlos syndrome, type 4 (EDSVASC). Also called: Ehlers-Danlos syndrome vascular type; Ehlers Danlos syndrome, ecchymotic type; Ehlers Danlos syndrome, arterial type; Ehlers Danlos syndrome, Sack-Barabas type; Ehlers-Danlos Syndrome Type IV. Identifiers: Orphanet 286, MedGen C0268338, MONDO:0017314, OMIM 130050.

Allele frequency attached by ClinVar (database versions not stated): gnomAD 0.00001; gnomAD exomes 0.00001 and 0.00002; TOPMed 0.00001; ExAC 0.00002.
gnomAD v4.1: 14 of 1,614,034 alleles (0.00087%); highest among the groups gnomAD compares: East Asian, 0.0022%; no homozygotes.

Submissions (3):

All of Us Research Program, National Institutes of Health
Classification: Uncertain significance for Ehlers-Danlos syndrome, type 4. Last evaluated: 2024-09-23. Review status: criteria provided, single submitter. Criteria: ACMG Guidelines, 2015. Collection method: clinical testing. Allele origin: germline. Inheritance: Autosomal dominant inheritance. Observed: 3 variant alleles, 3 heterozygotes.
Comment: Variant of Uncertain Significance due to insufficient evidence: This missense variant is located in the triple-helical region of the COL3A1 protein. Computational prediction tools and conservation analyses suggest that this variant may have deleterious impact on the protein function. Computational splicing tools suggest that this variant may not impact RNA splicing. To our knowledge, functional assays have not been performed for this variant nor has this variant been reported in individuals affected with cardiovascular disorders in the literature. This variant has been identified in 4/246176 chromosomes in the general population by the Genome Aggregation Database (gnomAD). Available evidence is insufficient to determine the pathogenicity of this variant conclusively.

This study involves interpretation of variants in research participants for the purpose of population health screening. Participant phenotype was not available at the time of variant classification. Additional details can be found in publication PMID: 35346344, PMCID: PMC8962531

Color Diagnostics, LLC DBA Color Health
Classification: Uncertain significance for Familial thoracic aortic aneurysm and aortic dissection. Last evaluated: 2023-12-05. Review status: criteria provided, single submitter. Criteria: ACMG Guidelines, 2015. Collection method: clinical testing. Allele origin: germline.
Comment: This missense variant replaces arginine with histidine at codon 1034 of the COL3A1 protein. Computational prediction suggests that this variant may have deleterious impact on protein structure and function. To our knowledge, functional studies have not been reported for this variant. This variant has not been reported in individuals affected with COL3A1-related disorders in the literature. This variant has been identified in 4/251394 chromosomes in the general population by the Genome Aggregation Database (gnomAD). The available evidence is insufficient to determine the role of this variant in disease conclusively. Therefore, this variant is classified as a Variant of Uncertain Significance.

Labcorp Genetics (formerly Invitae), Labcorp
Classification: Uncertain significance for Ehlers-Danlos syndrome, type 4. Last evaluated: 2021-05-13. Review status: criteria provided, single submitter. Criteria: Invitae Variant Classification Sherloc (09022015). Collection method: clinical testing. Allele origin: germline.
Comment: This sequence change replaces arginine with histidine at codon 1034 of the COL3A1 protein (p.Arg1034His). The arginine residue is moderately conserved and there is a small physicochemical difference between arginine and histidine. This variant is present in population databases (rs780788248, ExAC 0.009%). This variant has not been reported in the literature in individuals with COL3A1-related conditions. ClinVar contains an entry for this variant (Variation ID: 199738). Algorithms developed to predict the effect of missense changes on protein structure and function are either unavailable or do not agree on the potential impact of this missense change (SIFT: "Deleterious"; PolyPhen-2: "Probably Damaging"; Align-GVGD: "Class C0"). In summary, the available evidence is currently insufficient to determine the role of this variant in disease. Therefore, it has been classified as a Variant of Uncertain Significance.

NM_000090.4(COL3A1):c.3101G>A (p.Arg1034His)

Gene: COL3A1 (collagen type III alpha 1 chain; plus strand). Cytogenetic location: 2q32.2.
Variant type: single nucleotide variant.
Coding change: c.3101G>A on transcript NM_000090.4 (MANE Select); coding-DNA position 3101, G replaced by A.
Protein change: p.Arg1034His; replaces arginine 1034 with histidine.
Molecular consequence: missense variant.
Genome position (GRCh38, 1-based): chr2:189,006,352, G>A. VCF-style: chr2-189006352-G-A. GRCh37 (hg19) VCF-style: chr2-189871078-G-A.
Other names: short protein forms R1034H.
Identifiers: ClinVar variation 199738 (VCV000199738.14), dbSNP rs780788248, ClinGen allele CA006097.
Genomic context (GRCh38, chr2:189,006,352, plus strand): 5'-TATCAAAATAAGTGATCATCATGTTTATTTTGTACCTATGAATTTGTTCACAGGGTGATC[G>A]TGGTGAAAATGGCTCTCCTGGTGCCCCTGGCGCTCCTGGTCATCCAGGCCCACCTGGTCC-3'
Protein context (NP_000081.2, residues 1024-1044): RDGSPGGKGD[Arg1034His]GENGSPGAPG